The following is an entry in ClinVar:

NM_138694.4(PKHD1):c.8195C>G (p.Ser2732Ter)

Gene: PKHD1 (PKHD1 ciliary IPT domain containing fibrocystin/polyductin; minus strand). Cytogenetic location: 6p12.2.
Variant type: single nucleotide variant.
Coding change: c.8195C>G on transcript NM_138694.4 (MANE Select); coding-DNA position 8195, C replaced by G.
Protein change: p.Ser2732Ter; replaces serine 2732 with a stop codon.
Molecular consequence: nonsense.
Genome position (GRCh38, 1-based): chr6:51,830,968, G>C on the plus strand (C>G on the coding strand, the complement: PKHD1 is on the minus strand). VCF-style: chr6-51830968-G-C. GRCh37 (hg19) VCF-style: chr6-51695766-G-C.
Other names: c.8195C>G, p.Ser2732Ter (NM_170724.3); short protein forms S2732*.
Identifiers: ClinVar variation 1069641 (VCV001069641.8), dbSNP rs2151512212, ClinGen allele CA364423911.

ClinVar aggregate classification (germline): Pathogenic/Likely pathogenic. Review status: criteria provided, multiple submitters, no conflicts (2 of 4 stars). 2 submissions from 2 submitters: Pathogenic (1); Likely pathogenic (1). Last evaluated 2023-12-16.

Conditions:
Polycystic kidney disease 4 (PKD4). Also called: POLYCYSTIC KIDNEY AND HEPATIC DISEASE 1; POLYCYSTIC KIDNEY DISEASE, INFANTILE, TYPE I; POLYCYSTIC KIDNEY DISEASE 4 WITH OR WITHOUT POLYCYSTIC LIVER DISEASE; Autosomal Recessive Polycystic Kidney Disease – PKHD1; PKD3. Identifiers: MedGen C4540575, MONDO:0033004, OMIM 263200.
Autosomal recessive polycystic kidney disease (ARPKD). Also called: AR polycystic kidney disease. Identifiers: Orphanet 731, Orphanet 8378, MedGen C0085548, MeSH D017044, MONDO:0009889.

Submissions (2):

Labcorp Genetics (formerly Invitae), Labcorp
Classification: Pathogenic for Autosomal recessive polycystic kidney disease. Last evaluated: 2023-12-16. Review status: criteria provided, single submitter. Criteria: Invitae Variant Classification Sherloc (09022015). Collection method: clinical testing. Allele origin: germline.
Comment: This sequence change creates a premature translational stop signal (p.Ser2732*) in the PKHD1 gene. It is expected to result in an absent or disrupted protein product. Loss-of-function variants in PKHD1 are known to be pathogenic (PMID: 19940839). This variant is not present in population databases (gnomAD no frequency). This variant has not been reported in the literature in individuals affected with PKHD1-related conditions. ClinVar contains an entry for this variant (Variation ID: 1069641). For these reasons, this variant has been classified as Pathogenic.

Baylor Genetics
Classification: Likely pathogenic for Polycystic kidney disease 4. Last evaluated: 2023-07-03. Review status: criteria provided, single submitter. Criteria: ACMG Guidelines, 2015. Collection method: clinical testing. Allele origin: unknown.

Literature cited by the submitters: PubMed 19940839 (cited by Labcorp Genetics (formerly Invitae), Labcorp).